The following is an entry in ClinVar:

NM_052947.4(ALPK2):c.1057C>A (p.His353Asn)

Genes: ALPK2 (alpha kinase 2; minus strand), LOC114803473 (ALPK2 eExon liver enhancer; plus strand). Cytogenetic location: 18q21.31.
Variant type: single nucleotide variant.
Coding change: c.1057C>A on transcript NM_052947.4 (MANE Select); coding-DNA position 1057, C replaced by A.
Protein change: p.His353Asn; replaces histidine 353 with asparagine.
Molecular consequence: missense variant.
Genome position (GRCh38, 1-based): chr18:58,579,719, G>T on the plus strand (C>A on the coding strand, the complement: ALPK2 is on the minus strand). VCF-style: chr18-58579719-G-T. GRCh37 (hg19) VCF-style: chr18-56246951-G-T.
Other names: short protein forms H353N.
Identifiers: ClinVar variation 2497243 (VCV002497243.2), dbSNP rs2518899528, ClinGen allele CA402564916.

ClinVar aggregate classification (germline): Uncertain significance (1 of 4 stars; one submission).

Submission:

Ambry Genetics
Classification: Uncertain significance. Last evaluated: 2022-12-19. Review status: criteria provided, single submitter. Criteria: Ambry Variant Classification Scheme 2023. Collection method: clinical testing. Allele origin: germline.
Comment: The p.H353N variant (also known as c.1057C>A), located in coding exon 3 of the ALPK2 gene, results from a C to A substitution at nucleotide position 1057. The histidine at codon 353 is replaced by asparagine, an amino acid with similar properties. This amino acid position is conserved. In addition, this alteration is predicted to be tolerated by in silico analysis. Since supporting evidence is limited at this time, the clinical significance of this alteration remains unclear.